The following is an entry in ClinVar:

NM_213599.3(ANO5):c.877A>C (p.Lys293Gln)

Gene: ANO5 (anoctamin 5; plus strand). Cytogenetic location: 11p14.3.
Variant type: single nucleotide variant.
Coding change: c.877A>C on transcript NM_213599.3 (MANE Select); coding-DNA position 877, A replaced by C.
Protein change: p.Lys293Gln; replaces lysine 293 with glutamine.
Molecular consequence: missense variant.
Genome position (GRCh38, 1-based): chr11:22,239,683, A>C. VCF-style: chr11-22239683-A-C. GRCh37 (hg19) VCF-style: chr11-22261229-A-C.
Other names: c.874A>C, p.Lys292Gln (NM_001142649.2); short protein forms K292Q, K293Q.
Identifiers: ClinVar variation 934473 (VCV000934473.10), dbSNP rs1853361556, ClinGen allele CA379920615.

ClinVar aggregate classification (germline): Uncertain significance (1 of 4 stars; one submission).

Conditions:
Gnathodiaphyseal dysplasia (GDD). Also called: GNATHODIAPHYSEAL SCLEROSIS; OSTEOGENESIS IMPERFECTA WITH UNUSUAL SKELETAL LESIONS. Identifiers: Orphanet 53697, MedGen C1833736, MONDO:0008151, OMIM 166260.
Autosomal recessive limb-girdle muscular dystrophy type 2L (LGMDR12). Also called: Limb-girdle muscular dystrophy, type 2L; Limb-Girdle Muscular Dystrophy R12 Anoctamin-5-Related (LGMD-R12); MUSCULAR DYSTROPHY, LIMB-GIRDLE, AUTOSOMAL RECESSIVE 12. Identifiers: Orphanet 206549, MedGen C1969785, MONDO:0012652, OMIM 611307.

Submission:

Labcorp Genetics (formerly Invitae), Labcorp
Classification: Uncertain significance for Autosomal recessive limb-girdle muscular dystrophy type 2L; Gnathodiaphyseal dysplasia. Last evaluated: 2022-02-02. Review status: criteria provided, single submitter. Criteria: Invitae Variant Classification Sherloc (09022015). Collection method: clinical testing. Allele origin: germline.
Comment: In summary, the available evidence is currently insufficient to determine the role of this variant in disease. Therefore, it has been classified as a Variant of Uncertain Significance. Algorithms developed to predict the effect of missense changes on protein structure and function are either unavailable or do not agree on the potential impact of this missense change (SIFT: "Deleterious"; PolyPhen-2: "Benign"; Align-GVGD: "Class C0"). ClinVar contains an entry for this variant (Variation ID: 934473). This variant has not been reported in the literature in individuals affected with ANO5-related conditions. This variant is not present in population databases (gnomAD no frequency). This sequence change replaces lysine, which is basic and polar, with glutamine, which is neutral and polar, at codon 293 of the ANO5 protein (p.Lys293Gln).